The following is an entry in ClinVar:

ClinVar aggregate classification (germline): Benign. Review status: criteria provided, multiple submitters, no conflicts (2 of 4 stars). 8 submissions from 8 submitters: Benign (6). 2 of the submissions do not count toward it. Last evaluated 2026-02-04.

Conditions:
Neuromuscular disease caused by qualitative or quantitative defects of dysferlin. Also called: Dysferlinopathy; Qualitative or quantitative defects of dysferlin. Identifiers: Orphanet 207073, MedGen C2931687, MONDO:0016145.
Miyoshi muscular dystrophy 1 (MMD1). Identifiers: Orphanet 45448, MedGen C4551973, MONDO:0024545, OMIM 254130.

Allele frequency attached by ClinVar (database versions not stated): 1000 Genomes Project 0.01877; 1000 Genomes Project 30x 0.01889; gnomAD 0.02442; gnomAD exomes 0.02465; TOPMed 0.02495; ESP Exome Variant Server 0.02860.
gnomAD v4.1: 39,942 of 1,612,970 alleles (2.5%); highest among the groups gnomAD compares: South Asian, 4.3%; 642 homozygotes.

Submissions (8):

Labcorp Genetics (formerly Invitae), Labcorp
Classification: Benign for Neuromuscular disease caused by qualitative or quantitative defects of dysferlin. Last evaluated: 2026-02-04. Review status: criteria provided, single submitter. Criteria: Invitae Variant Classification Sherloc (09022015). Collection method: clinical testing. Allele origin: germline.

Genome-Nilou Lab
Classification: Benign for Miyoshi muscular dystrophy 1. Last evaluated: 2021-06-10. Review status: criteria provided, single submitter. Criteria: ACMG Guidelines, 2015. Collection method: clinical testing. Allele origin: germline. Affected: no.

GeneDx
Classification: Benign. Last evaluated: 2016-01-19. Review status: criteria provided, single submitter. Criteria: GeneDx Variant Classification (06012015). Collection method: clinical testing. Allele origin: germline. Affected: yes.
Comment: This variant is considered likely benign or benign based on one or more of the following criteria: it is a conservative change, it occurs at a poorly conserved position in the protein, it is predicted to be benign by multiple in silico algorithms, and/or has population frequency not consistent with disease.

Eurofins Ntd Llc (ga)
Classification: Benign. Last evaluated: 2013-03-04. Review status: criteria provided, single submitter. Criteria: EGL Classification Definitions 2015. Collection method: clinical testing. Allele origin: germline. Observed: 5 variant alleles, 5 heterozygotes.

Breakthrough Genomics
Classification: Benign. Review status: criteria provided, single submitter. Criteria: ACMG Guidelines, 2015. Collection method: not provided. Allele origin: germline. Inheritance: Autosomal recessive inheritance. Affected: yes.

PreventionGenetics, part of Exact Sciences
Classification: Benign. Review status: criteria provided, single submitter. Criteria: ACMG Guidelines, 2015. Collection method: clinical testing. Allele origin: germline.

Clinical Genetics, Academic Medical Center
Classification: Benign. Review status: no assertion criteria provided. Collection method: clinical testing. Allele origin: germline. Affected: yes. Study: VKGL Data-share Consensus. Not counted in ClinVar's aggregate classification.

Laboratory of Diagnostic Genome Analysis, Leiden University Medical Center (LUMC)
Classification: Likely benign. Review status: no assertion criteria provided. Collection method: clinical testing. Allele origin: germline. Affected: yes. Study: VKGL Data-share Consensus. Not counted in ClinVar's aggregate classification.

NM_001130987.2(DYSF):c.4222-20G>A

Gene: DYSF (dysferlin; plus strand). Cytogenetic location: 2p13.2.
Variant type: single nucleotide variant.
Coding change: c.4222-20G>A on transcript NM_001130987.2 (MANE Select); 20 bases into the intron before coding-DNA position 4222, G replaced by A.
Molecular consequence: intron variant.
Genome position (GRCh38, 1-based): chr2:71,612,621, G>A. VCF-style: chr2-71612621-G-A. GRCh37 (hg19) VCF-style: chr2-71839751-G-A.
Other names: c.4261-20G>A (NM_001130979.2); c.4219-20G>A (NM_001130981.2, NM_001130980.2); c.4168-20G>A (NM_001130978.2, NM_003494.4); c.4126-20G>A (NM_001130977.2, NM_001130976.2); c.4264-20G>A (NM_001130982.2); c.4222-20G>A (NM_001130985.2); c.4171-20G>A (NM_001130983.2, NM_001130455.2); c.4129-20G>A (NM_001130984.2, NM_001130986.2).
Identifiers: ClinVar variation 94319 (VCV000094319.18), dbSNP rs111935215, ClinGen allele CA147759.